The following is an entry in ClinVar:

ClinVar aggregate classification (germline): Benign (1 of 4 stars; one submission).

Allele frequency attached by ClinVar (database versions not stated): gnomAD 0.45460 and 0.45634; TOPMed 0.47024; 1000 Genomes Project 0.49381; 1000 Genomes Project 30x 0.49859.
gnomAD v4.1: 69,132 of 151,952 alleles (45%); highest among the groups gnomAD compares: African/African-American, 66%; 17,147 homozygotes.

Submission:

GeneDx
Classification: Benign. Last evaluated: 2019-10-16. Review status: criteria provided, single submitter. Criteria: GeneDx Variant Classification Process June 2021. Collection method: clinical testing. Allele origin: germline. Affected: yes.
Comment: This variant is associated with the following publications: (PMID: 31039173)

NM_005502.4(ABCA1):c.66+3401C>T

Gene: ABCA1 (ATP binding cassette subfamily A member 1; minus strand). Cytogenetic location: 9q31.1.
Variant type: single nucleotide variant.
Coding change: c.66+3401C>T on transcript NM_005502.4 (MANE Select); 3401 bases into the intron after coding-DNA position 66, C replaced by T.
Molecular consequence: intron variant.
Genome position (GRCh38, 1-based): chr9:104,900,213, G>A on the plus strand (C>T on the coding strand, the complement: ABCA1 is on the minus strand). VCF-style: chr9-104900213-G-A. GRCh37 (hg19) VCF-style: chr9-107662494-G-A.
Identifiers: ClinVar variation 1262580 (VCV001262580.2), dbSNP rs2575875, ClinGen allele CA13016989.